The following is an entry in ClinVar:

ClinVar aggregate classification (germline): Uncertain significance (1 of 4 stars; one submission).

Conditions:
Immunodeficiency, common variable, 10. Also called: IMMUNODEFICIENCY, COMMON VARIABLE, WITH CENTRAL ADRENAL INSUFFICIENCY; DEFICIT IN ANTERIOR PITUITARY FUNCTION AND VARIABLE IMMUNODEFICIENCY. Identifiers: MedGen C3809991, MONDO:0014260, OMIM 615577.

Submission:

Labcorp Genetics (formerly Invitae), Labcorp
Classification: Uncertain significance for Immunodeficiency, common variable, 10. Last evaluated: 2024-02-18. Review status: criteria provided, single submitter. Criteria: Invitae Variant Classification Sherloc (09022015). Collection method: clinical testing. Allele origin: germline.
Comment: This sequence change replaces methionine, which is neutral and non-polar, with valine, which is neutral and non-polar, at codon 150 of the NFKB2 protein (p.Met150Val). This variant is not present in population databases (gnomAD no frequency). This variant has not been reported in the literature in individuals affected with NFKB2-related conditions. An algorithm developed to predict the effect of missense changes on protein structure and function (PolyPhen-2) suggests that this variant is likely to be tolerated. In summary, the available evidence is currently insufficient to determine the role of this variant in disease. Therefore, it has been classified as a Variant of Uncertain Significance.

NM_001322934.2(NFKB2):c.448A>G (p.Met150Val)

Gene: NFKB2 (nuclear factor kappa B subunit 2; plus strand). Cytogenetic location: 10q24.32.
Variant type: single nucleotide variant.
Coding change: c.448A>G on transcript NM_001322934.2 (MANE Select); coding-DNA position 448, A replaced by G.
Protein change: p.Met150Val; replaces methionine 150 with valine.
Molecular consequence: missense variant.
Genome position (GRCh38, 1-based): chr10:102,397,354, A>G. VCF-style: chr10-102397354-A-G. GRCh37 (hg19) VCF-style: chr10-104157111-A-G.
Other names: c.448A>G, p.Met150Val (NM_001077494.3, NM_001261403.3, NM_001288724.1 and 2 more transcripts); short protein forms M150V.
Identifiers: ClinVar variation 3669586 (VCV003669586.2).
Genomic context (GRCh38, chr10:102,397,354, plus strand): 5'-CTTCTCAGATTTAACAACCTGGGTGTCCTGCATGTGACTAAGAAGAACATGATGGGGACT[A>G]TGATACAAAAACTTCAGAGGCAGCGGCTCCGCTCTAGGCCCCAGGGCCTTACGGGTATGG-3'
Protein context (NP_001309863.1, residues 140-160): HVTKKNMMGT[Met150Val]IQKLQRQRLR